The following is an entry in ClinVar:

NM_005045.4(RELN):c.1769G>C (p.Ser590Thr)

Gene: RELN (reelin; minus strand). Cytogenetic location: 7q22.1.
Variant type: single nucleotide variant.
Coding change: c.1769G>C on transcript NM_005045.4 (MANE Select); coding-DNA position 1769, G replaced by C.
Protein change: p.Ser590Thr; replaces serine 590 with threonine.
Molecular consequence: missense variant.
Genome position (GRCh38, 1-based): chr7:103,651,784, C>G on the plus strand (G>C on the coding strand, the complement: RELN is on the minus strand). VCF-style: chr7-103651784-C-G. GRCh37 (hg19) VCF-style: chr7-103292231-C-G.
Other names: c.1769G>C, p.Ser590Thr (NM_173054.3); short protein forms S590T.
Identifiers: ClinVar variation 945476 (VCV000945476.10), dbSNP rs779939013, ClinGen allele CA4422179.

ClinVar aggregate classification (germline): Uncertain significance. Review status: criteria provided, multiple submitters, no conflicts (2 of 4 stars). 2 submissions from 2 submitters: Uncertain significance (2). Last evaluated 2025-08-13.

Conditions:
Norman-Roberts syndrome (LIS2). Also called: Lissencephaly 2 (Norman-Roberts type). Identifiers: Orphanet 89844, MedGen C0796089, MONDO:0009760, OMIM 257320.
Familial temporal lobe epilepsy 7. Identifiers: Orphanet 101046, MedGen C4225327, MONDO:0014639, OMIM 616436.
Inborn genetic diseases. Identifiers: MedGen C0950123, MeSH D030342.

Allele frequency attached by ClinVar (database versions not stated): gnomAD exomes below 0.00001; ExAC 0.00001; gnomAD 0.00001; TOPMed 0.00001.
gnomAD v4.1: 26 of 1,611,202 alleles (0.0016%); highest among the groups gnomAD compares: Admixed American, 0.0033%; no homozygotes.

Submissions (2):

Ambry Genetics
Classification: Uncertain significance for Inborn genetic diseases. Last evaluated: 2025-08-13. Review status: criteria provided, single submitter. Criteria: Ambry Variant Classification Scheme 2023. Collection method: clinical testing. Allele origin: germline.

Labcorp Genetics (formerly Invitae), Labcorp
Classification: Uncertain significance for Familial temporal lobe epilepsy 7; Norman-Roberts syndrome. Last evaluated: 2025-02-15. Review status: criteria provided, single submitter. Criteria: Invitae Variant Classification Sherloc (09022015). Collection method: clinical testing. Allele origin: germline.
Comment: This sequence change replaces serine, which is neutral and polar, with threonine, which is neutral and polar, at codon 590 of the RELN protein (p.Ser590Thr). This variant is present in population databases (rs779939013, gnomAD 0.0009%). This variant has not been reported in the literature in individuals affected with RELN-related conditions. ClinVar contains an entry for this variant (Variation ID: 945476). Invitae Evidence Modeling of protein sequence and biophysical properties (such as structural, functional, and spatial information, amino acid conservation, physicochemical variation, residue mobility, and thermodynamic stability) indicates that this missense variant is not expected to disrupt RELN protein function with a negative predictive value of 80%. In summary, the available evidence is currently insufficient to determine the role of this variant in disease. Therefore, it has been classified as a Variant of Uncertain Significance.